The following is an entry in ClinVar:

NM_001105206.3(LAMA4):c.3829T>C (p.Ser1277Pro)

Gene: LAMA4 (laminin subunit alpha 4; minus strand). Cytogenetic location: 6q21.
Variant type: single nucleotide variant.
Coding change: c.3829T>C on transcript NM_001105206.3 (MANE Select); coding-DNA position 3829, T replaced by C.
Protein change: p.Ser1277Pro; replaces serine 1277 with proline.
Molecular consequence: missense variant.
Genome position (GRCh38, 1-based): chr6:112,132,758, A>G on the plus strand (T>C on the coding strand, the complement: LAMA4 is on the minus strand). VCF-style: chr6-112132758-A-G. GRCh37 (hg19) VCF-style: chr6-112453960-A-G.
Other names: c.3808T>C, p.Ser1270Pro (NM_001105207.3, NM_002290.5); short protein forms S1270P, S1277P.
Identifiers: ClinVar variation 1376344 (VCV001376344.6), dbSNP rs2114655811, ClinGen allele CA365374575.

ClinVar aggregate classification (germline): Uncertain significance (1 of 4 stars; one submission).

Conditions:
Dilated cardiomyopathy 1JJ (CMD1JJ). Identifiers: Orphanet 154, MedGen C3808935, MONDO:0014095, OMIM 615235.

Allele frequency attached by ClinVar (database versions not stated): gnomAD exomes below 0.00001.
gnomAD v4.1: 1 of 1,612,904 alleles (0.000062%); highest among the groups gnomAD compares: Non-Finnish European, 0.000085%; no homozygotes.

Submission:

Labcorp Genetics (formerly Invitae), Labcorp
Classification: Uncertain significance for Dilated cardiomyopathy 1JJ. Last evaluated: 2022-01-11. Review status: criteria provided, single submitter. Criteria: Invitae Variant Classification Sherloc (09022015). Collection method: clinical testing. Allele origin: germline.
Comment: In summary, the available evidence is currently insufficient to determine the role of this variant in disease. Therefore, it has been classified as a Variant of Uncertain Significance. Algorithms developed to predict the effect of missense changes on protein structure and function are either unavailable or do not agree on the potential impact of this missense change (SIFT: "Tolerated"; PolyPhen-2: "Possibly Damaging"; Align-GVGD: "Class C0"). This variant has not been reported in the literature in individuals affected with LAMA4-related conditions. This variant is not present in population databases (gnomAD no frequency). This sequence change replaces serine, which is neutral and polar, with proline, which is neutral and non-polar, at codon 1270 of the LAMA4 protein (p.Ser1270Pro).